The following is an entry in ClinVar:

NM_000321.3(RB1):c.1814+2T>G

Gene: RB1 (RB transcriptional corepressor 1; plus strand). Cytogenetic location: 13q14.2.
Variant type: single nucleotide variant.
Coding change: c.1814+2T>G on transcript NM_000321.3 (MANE Select); the canonical splice donor site of the intron after coding-DNA position 1814, T replaced by G.
Molecular consequence: splice donor variant.
Genome position (GRCh38, 1-based): chr13:48,453,113, T>G. VCF-style: chr13-48453113-T-G. GRCh37 (hg19) VCF-style: chr13-49027249-T-G.
Other names: c.1814+2T>G (NM_001407165.1).
Identifiers: ClinVar variation 428724 (VCV000428724.5), dbSNP rs1131690899, ClinGen allele CA388165679.

ClinVar aggregate classification (germline): Pathogenic (1 of 4 stars; one submission).

Conditions:
Hereditary cancer-predisposing syndrome. Also called: Hereditary Cancer Syndrome; Neoplastic Syndromes, Hereditary; Hereditary neoplastic syndrome; Tumor predisposition. Identifiers: Orphanet 140162, MedGen C0027672, MeSH D009386, MONDO:0015356.

Submission:

Ambry Genetics
Classification: Pathogenic for Hereditary cancer-predisposing syndrome. Last evaluated: 2015-12-29. Review status: criteria provided, single submitter. Criteria: Ambry Variant Classification Scheme 2023. Collection method: clinical testing. Allele origin: germline.
Comment: The c.1814+2T>G intronic variant results from a T to G substitution two nucleotides after coding exon 18 in the RB1 gene. This variant was not reported in population based cohorts in the following databases: Database of Single Nucleotide Polymorphisms (dbSNP), NHLBI Exome Sequencing Project (ESP), and 1000 Genomes Project. In the ESP, this variant was not observed in 6503 samples (13006 alleles) with coverage at this position. To date, this alteration has been detected with an allele frequency of approximately 0.3% (greater than 600 alleles tested) in our clinical cohort. This nucleotide position is highly conserved in available vertebrate species. Using the BDGP and ESEfinder splice site prediction tools, this alteration is predicted to abolish the native splice donor site; however, direct evidence is unavailable. Alterations that disrupt the canonical splice donor site are typically deleterious in nature (ACMG Recommendations for Standards for Interpretation and Reporting of Sequence Variations. Revision 2007. Genet Med. 2008;10:294). As such, the c.1814+2T>G variant is classified as a pathogenic mutation.